The following is an entry in ClinVar:

ClinVar aggregate classification (germline): Pathogenic/Likely pathogenic. Review status: criteria provided, multiple submitters, no conflicts (2 of 4 stars). 3 submissions from 3 submitters: Pathogenic (1); Likely pathogenic (2). Last evaluated 2024-07-23.

Conditions:
SCN2A-related disorder. Also called: SCN2A-related disorders; SCN2A-related condition. Identifiers: MedGen CN382226, MONDO:1060245.
Developmental and epileptic encephalopathy, 11 (DEE11). Also called: Early infantile epileptic encephalopathy 11. Identifiers: Orphanet 1934, MedGen C3150987, MONDO:0013388, OMIM 613721.
Seizures, benign familial infantile, 3 (BFIS3). Also called: CONVULSIONS, BENIGN FAMILIAL INFANTILE, 3; Familial neonatal seizures. Identifiers: Orphanet 140927, Orphanet 306, MedGen C1843140, MONDO:0011904, OMIM 607745.

Allele frequency attached by ClinVar (database versions not stated): gnomAD exomes below 0.00001.
gnomAD v4.1: 1 of 1,589,410 alleles (0.000063%); highest among the groups gnomAD compares: Non-Finnish European, 0.000086%; no homozygotes.

Submissions (3):

Labcorp Genetics (formerly Invitae), Labcorp
Classification: Likely pathogenic for Seizures, benign familial infantile, 3; Developmental and epileptic encephalopathy, 11. Last evaluated: 2024-07-23. Review status: criteria provided, single submitter. Criteria: Invitae Variant Classification Sherloc (09022015). Collection method: clinical testing. Allele origin: germline.
Comment: This sequence change replaces isoleucine, which is neutral and non-polar, with threonine, which is neutral and polar, at codon 1473 of the SCN2A protein (p.Ile1473Thr). This variant is not present in population databases (gnomAD no frequency). This missense change has been observed in individual(s) with epilepsy and/or neurodevelopmental disorders (PMID: 29655203, 36403551). ClinVar contains an entry for this variant (Variation ID: 427011). Advanced modeling of protein sequence and biophysical properties (such as structural, functional, and spatial information, amino acid conservation, physicochemical variation, residue mobility, and thermodynamic stability) performed at Invitae indicates that this missense variant is expected to disrupt SCN2A protein function with a positive predictive value of 95%. This variant disrupts the p.Ile1473 amino acid residue in SCN2A. Other variant(s) that disrupt this residue have been determined to be pathogenic (PMID: 19786696). This suggests that this residue is clinically significant, and that variants that disrupt this residue are likely to be disease-causing. In summary, the currently available evidence indicates that the variant is pathogenic, but additional data are needed to prove that conclusively. Therefore, this variant has been classified as Likely Pathogenic.

GeneDx
Classification: Pathogenic. Last evaluated: 2023-01-03. Review status: criteria provided, single submitter. Criteria: GeneDx Variant Classification Process June 2021. Collection method: clinical testing. Allele origin: germline. Affected: yes.
Comment: Not observed at significant frequency in large population cohorts (gnomAD); Missense variants in this gene are often considered pathogenic (HGMD); In silico analysis supports that this missense variant has a deleterious effect on protein structure/function; This substitution is predicted to be within the cytoplasmic loop between the third and fourth homologous domains; This variant is associated with the following publications: (PMID: 29655203)

Blueprint Genetics
Classification: Likely pathogenic for SCN2A-related disorders. Last evaluated: 2022-01-12. Review status: criteria provided, single submitter. Criteria: ACMG Guidelines, 2015. Collection method: clinical testing. Allele origin: germline. Affected: yes. Observed: 1 variant allele.

Literature cited by the submitters: PubMed 29655203 (cited by Labcorp Genetics (formerly Invitae), Labcorp); PubMed 36403551 (cited by Labcorp Genetics (formerly Invitae), Labcorp); PubMed 19786696 (cited by Labcorp Genetics (formerly Invitae), Labcorp).

NM_001040142.2(SCN2A):c.4418T>C (p.Ile1473Thr)

Gene: SCN2A (sodium voltage-gated channel alpha subunit 2; plus strand). Cytogenetic location: 2q24.3.
Variant type: single nucleotide variant.
Coding change: c.4418T>C on transcript NM_001040142.2 (MANE Select); coding-DNA position 4418, T replaced by C.
Protein change: p.Ile1473Thr; replaces isoleucine 1473 with threonine.
Molecular consequence: missense variant.
Genome position (GRCh38, 1-based): chr2:165,380,701, T>C. VCF-style: chr2-165380701-T-C. GRCh37 (hg19) VCF-style: chr2-166237211-T-C.
Other names: c.4418T>C, p.Ile1473Thr (NM_001040143.2, NM_001371246.1, NM_001371247.1 and 1 more transcripts); short protein forms I1473T.
Identifiers: ClinVar variation 427011 (VCV000427011.11), dbSNP rs1085307898, ClinGen allele CA349034225.